The following is an entry in ClinVar:

NM_002296.4(LBR):c.1603C>G (p.Leu535Val)

Gene: LBR (lamin B receptor; minus strand). Cytogenetic location: 1q42.12.
Variant type: single nucleotide variant.
Coding change: c.1603C>G on transcript NM_002296.4 (MANE Select); coding-DNA position 1603, C replaced by G.
Protein change: p.Leu535Val; replaces leucine 535 with valine.
Molecular consequence: missense variant.
Genome position (GRCh38, 1-based): chr1:225,404,488, G>C on the plus strand (C>G on the coding strand, the complement: LBR is on the minus strand). VCF-style: chr1-225404488-G-C. GRCh37 (hg19) VCF-style: chr1-225592190-G-C.
Other names: c.1603C>G, p.Leu535Val (NM_194442.3); short protein forms L535V.
Identifiers: ClinVar variation 1440005 (VCV001440005.8), dbSNP rs774389031, ClinGen allele CA1417080.

ClinVar aggregate classification (germline): Uncertain significance (1 of 4 stars; one submission).

Allele frequency attached by ClinVar (database versions not stated): TOPMed 0.00001; gnomAD 0.00002; ExAC 0.00003; gnomAD exomes 0.00003.
gnomAD v4.1: 24 of 1,613,594 alleles (0.0015%); highest among the groups gnomAD compares: South Asian, 0.02%; no homozygotes.

Submission:

Labcorp Genetics (formerly Invitae), Labcorp
Classification: Uncertain significance. Last evaluated: 2025-03-31. Review status: criteria provided, single submitter. Criteria: Invitae Variant Classification Sherloc (09022015). Collection method: clinical testing. Allele origin: germline.
Comment: This sequence change replaces leucine, which is neutral and non-polar, with valine, which is neutral and non-polar, at codon 535 of the LBR protein (p.Leu535Val). This variant is present in population databases (rs774389031, gnomAD 0.02%). This variant has not been reported in the literature in individuals affected with LBR-related conditions. ClinVar contains an entry for this variant (Variation ID: 1440005). Invitae Evidence Modeling of protein sequence and biophysical properties (such as structural, functional, and spatial information, amino acid conservation, physicochemical variation, residue mobility, and thermodynamic stability) has been performed for this missense variant. However, the output from this modeling did not meet the statistical confidence thresholds required to predict the impact of this variant on LBR protein function. In summary, the available evidence is currently insufficient to determine the role of this variant in disease. Therefore, it has been classified as a Variant of Uncertain Significance.